The following is an entry in ClinVar:

ClinVar aggregate classification (germline): Uncertain significance (1 of 4 stars; one submission).

Conditions:
Agammaglobulinemia 3, autosomal recessive (AGM3). Also called: AGAMMAGLOBULINEMIA 3; AGAMMAGLOBULINEMIA, AUTOSOMAL RECESSIVE, DUE TO CD79A DEFECT. Identifiers: MedGen C3150751, MONDO:0013288, OMIM 613501.

Allele frequency attached by ClinVar (database versions not stated): gnomAD 0.00002; TOPMed 0.00002.

Submission:

Labcorp Genetics (formerly Invitae), Labcorp
Classification: Uncertain significance for Agammaglobulinemia 3, autosomal recessive. Last evaluated: 2022-08-09. Review status: criteria provided, single submitter. Criteria: Invitae Variant Classification Sherloc (09022015). Collection method: clinical testing. Allele origin: germline.
Comment: This sequence change replaces proline, which is neutral and non-polar, with serine, which is neutral and polar, at codon 87 of the CD79A protein (p.Pro87Ser). This variant is present in population databases (no rsID available, gnomAD 0.007%). This variant has not been reported in the literature in individuals affected with CD79A-related conditions. ClinVar contains an entry for this variant (Variation ID: 1055887). Algorithms developed to predict the effect of missense changes on protein structure and function output the following: SIFT: "Tolerated"; PolyPhen-2: "Benign"; Align-GVGD: "Class C0". The serine amino acid residue is found in multiple mammalian species, which suggests that this missense change does not adversely affect protein function. In summary, the available evidence is currently insufficient to determine the role of this variant in disease. Therefore, it has been classified as a Variant of Uncertain Significance.

NM_001783.4(CD79A):c.259C>T (p.Pro87Ser)

Genes: CD79A (CD79a molecule; plus strand), RPS19-CD79A (RPS19-CD79A readthrough; plus strand). Cytogenetic location: 19q13.2.
Variant type: single nucleotide variant.
Coding change: c.259C>T on transcript NM_001783.4 (MANE Select); coding-DNA position 259, C replaced by T.
Protein change: p.Pro87Ser; replaces proline 87 with serine.
Molecular consequence: missense variant.
Genome position (GRCh38, 1-based): chr19:41,879,169, C>T. VCF-style: chr19-41879169-C-T. GRCh37 (hg19) VCF-style: chr19-42383239-C-T.
Other names: c.259C>T, p.Pro87Ser (NM_021601.4); short protein forms P87S.
Identifiers: ClinVar variation 1055887 (VCV001055887.7), dbSNP rs1383830014, ClinGen allele CA406034459.